The following is an entry in ClinVar:

NM_177972.3(TUB):c.1399G>A (p.Val467Met)

Genes: RIC3 (RIC3 acetylcholine receptor chaperone; minus strand), TUB (TUB bipartite transcription factor; plus strand). Cytogenetic location: 11p15.4.
Variant type: single nucleotide variant.
Coding change: c.1399G>A on transcript NM_177972.3 (MANE Select); coding-DNA position 1399, G replaced by A.
Protein change: p.Val467Met; replaces valine 467 with methionine.
Molecular consequence: missense variant.
Genome position (GRCh38, 1-based): chr11:8,101,497, G>A. VCF-style: chr11-8101497-G-A. GRCh37 (hg19) VCF-style: chr11-8123044-G-A.
Other names: c.1564G>A, p.Val522Met (NM_003320.5); c.1564G>A (NM_003320.4); short protein forms V467M, V522M.
Identifiers: ClinVar variation 1053276 (VCV001053276.6), dbSNP rs527582687, ClinGen allele CA5871511.

ClinVar aggregate classification (germline): Uncertain significance. Review status: criteria provided, multiple submitters, no conflicts (2 of 4 stars). 3 submissions from 3 submitters: Uncertain significance (2). 1 of the submissions does not count toward it. Last evaluated 2022-10-05.

Conditions:
TUB-related disorder. Also called: TUB-related condition.

Allele frequency attached by ClinVar (database versions not stated): gnomAD 0.00009 and 0.00010; 1000 Genomes Project 0.00020; 1000 Genomes Project 30x 0.00031.
gnomAD v4.1: 94 of 1,614,180 alleles (0.0058%); highest among the groups gnomAD compares: Admixed American, 0.027%; no homozygotes.

Submissions (3):

Labcorp Genetics (formerly Invitae), Labcorp
Classification: Uncertain significance. Last evaluated: 2022-10-05. Review status: criteria provided, single submitter. Criteria: Invitae Variant Classification Sherloc (09022015). Collection method: clinical testing. Allele origin: germline.
Comment: This sequence change replaces valine, which is neutral and non-polar, with methionine, which is neutral and non-polar, at codon 522 of the TUB protein (p.Val522Met). This variant is present in population databases (rs527582687, gnomAD 0.01%). This variant has not been reported in the literature in individuals affected with TUB-related conditions. ClinVar contains an entry for this variant (Variation ID: 1053276). Algorithms developed to predict the effect of missense changes on protein structure and function are either unavailable or do not agree on the potential impact of this missense change (SIFT: "Deleterious"; PolyPhen-2: "Probably Damaging"; Align-GVGD: "Class C15"). In summary, the available evidence is currently insufficient to determine the role of this variant in disease. Therefore, it has been classified as a Variant of Uncertain Significance.

Blueprint Genetics
Classification: Uncertain significance. Last evaluated: 2022-09-21. Review status: criteria provided, single submitter. Criteria: ACMG Guidelines, 2015. Collection method: clinical testing. Allele origin: germline.

PreventionGenetics, part of Exact Sciences
Classification: Uncertain significance for TUB-related condition. Last evaluated: 2024-06-04. Review status: no assertion criteria provided. Collection method: clinical testing. Allele origin: germline. Not counted in ClinVar's aggregate classification.
Comment: The TUB c.1564G>A variant is predicted to result in the amino acid substitution p.Val522Met. To our knowledge, this variant has not been reported in the literature. This variant is reported in 0.010% of alleles in individuals of East Asian descent in gnomAD. At this time, the clinical significance of this variant is uncertain due to the absence of conclusive functional and genetic evidence.